The following is an entry in ClinVar:

ClinVar aggregate classification (germline): Uncertain significance (1 of 4 stars; one submission).

Submission:

Labcorp Genetics (formerly Invitae), Labcorp
Classification: Uncertain significance. Last evaluated: 2025-06-27. Review status: criteria provided, single submitter. Criteria: Invitae Variant Classification Sherloc (09022015). Collection method: clinical testing. Allele origin: germline.
Comment: This sequence change replaces aspartic acid, which is acidic and polar, with asparagine, which is neutral and polar, at codon 985 of the DLC1 protein (p.Asp985Asn). This variant is not present in population databases (gnomAD no frequency). This variant has not been reported in the literature in individuals affected with DLC1-related conditions. An algorithm developed to predict the effect of missense changes on protein structure and function (PolyPhen-2) suggests that this variant is likely to be disruptive. In summary, the available evidence is currently insufficient to determine the role of this variant in disease. Therefore, it has been classified as a Variant of Uncertain Significance.

NM_182643.3(DLC1):c.2953G>A (p.Asp985Asn)

Gene: DLC1 (DLC1 Rho GTPase activating protein; minus strand). Cytogenetic location: 8p22.
Variant type: single nucleotide variant.
Coding change: c.2953G>A on transcript NM_182643.3 (MANE Select); coding-DNA position 2953, G replaced by A.
Protein change: p.Asp985Asn; replaces aspartic acid 985 with asparagine.
Molecular consequence: missense variant.
Genome position (GRCh38, 1-based): chr8:13,099,384, C>T on the plus strand (G>A on the coding strand, the complement: DLC1 is on the minus strand). VCF-style: chr8-13099384-C-T. GRCh37 (hg19) VCF-style: chr8-12956893-C-T.
Other names: c.1393G>A, p.Asp465Asn (NM_001413131.1, NM_001413137.1); c.1879G>A, p.Asp627Asn (NM_001413132.1); c.1420G>A, p.Asp474Asn (NM_001413133.1, NM_001413138.1, NM_001164271.2 and 6 more transcripts); c.1642G>A, p.Asp548Asn (NM_001413135.1, NM_001413136.1, NM_001413139.1 and 1 more transcripts); c.1777G>A, p.Asp593Asn (NM_001413140.1); c.1744G>A, p.Asp582Asn (NM_001316668.2, NM_001413129.1); c.2953G>A, p.Asp985Asn (NM_001348081.2, NM_001413124.1); c.1735G>A, p.Asp579Asn (NM_001413130.1); short protein forms D474N, D579N, D582N, D593N, D465N, D548N, D627N, D985N.
Identifiers: ClinVar variation 4774980 (VCV004774980.1).